The following is an entry in ClinVar:

ClinVar aggregate classification (germline): Uncertain significance (1 of 4 stars; one submission).

Submission:

Women's Health and Genetics/Laboratory Corporation of America, LabCorp
Classification: Uncertain significance. Last evaluated: 2025-09-29. Review status: criteria provided, single submitter. Criteria: LabCorp Variant Classification Summary - May 2015. Collection method: clinical testing. Allele origin: germline.
Comment: Variant summary: The variant involves the duplication of exons 2-12 in the RAF1 gene. A presumed nomenclature of c.(-27+1_-26-1)_(1370+1_1371-1)dup has been designated for the purposes of this classification. It is assumed to be a tandem duplication in direct orientation (PMIDs: 25640679, 30054569). This Copy Number Variant (CNV) is expected to alter the reading frame and predicted to result in a truncation or absence of the encoded protein due to nonsense mediated decay (NMD). The variant was absent in 21694 control chromosomes. The available data on variant occurrences in the general population are insufficient to allow any conclusion about variant significance. c.(-27+1_-26-1)_(1370+1_1371-1)dup has been observed in individual(s) affected with Noonan Syndrome And Related Conditions. These report(s) do not provide unequivocal conclusions about association of the variant with Noonan Syndrome And Related Conditions. To our knowledge, no experimental evidence demonstrating an impact on protein function has been reported. ClinVar contains an entry for this variant (Variation ID: 229174). Based on the evidence outlined above, the variant was classified as uncertain significance.

Literature cited by the submitters: PubMed 29696744; PubMed 28914499.

NC_000003.11:g.(12629137_12632296)_(12660247_12705311)dup

Gene: RAF1 (Raf-1 proto-oncogene, serine/threonine kinase; minus strand). Cytogenetic location: 3p25.2.
Variant type: Duplication.
Identifiers: ClinVar variation 3339109 (VCV003339109.2).